The following is an entry in ClinVar:

NM_001999.4(FBN2):c.6994G>A (p.Asp2332Asn)

Gene: FBN2 (fibrillin 2; minus strand). Cytogenetic location: 5q23.3.
Variant type: single nucleotide variant.
Coding change: c.6994G>A on transcript NM_001999.4 (MANE Select); coding-DNA position 6994, G replaced by A.
Protein change: p.Asp2332Asn; replaces aspartic acid 2332 with asparagine.
Molecular consequence: missense variant.
Genome position (GRCh38, 1-based): chr5:128,286,736, C>T on the plus strand (G>A on the coding strand, the complement: FBN2 is on the minus strand). VCF-style: chr5-128286736-C-T. GRCh37 (hg19) VCF-style: chr5-127622428-C-T.
Other names: short protein forms D2332N.
Identifiers: ClinVar variation 350765 (VCV000350765.15), dbSNP rs886059894, ClinGen allele CA10622577.

ClinVar aggregate classification (germline): Conflicting classifications of pathogenicity. Review status: criteria provided, conflicting classifications (1 of 4 stars). 5 submissions from 5 submitters: Uncertain significance (4); Benign (1). Last evaluated 2025-11-17.

Conditions:
Congenital contractural arachnodactyly (CCA). Also called: BEALS SYNDROME; Beals-Hecht syndrome; Arthrogryposis, distal, type 9. Identifiers: Orphanet 115, MedGen C0220668, MONDO:0007363, OMIM 121050.
Familial thoracic aortic aneurysm and aortic dissection (TAAD). Also called: Thoracic aortic aneurysms and dissections. Identifiers: Orphanet 91387, MedGen C4707243, MONDO:0019625.

Allele frequency attached by ClinVar (database versions not stated): gnomAD 0.00002 and 0.00003; gnomAD exomes 0.00002; TOPMed 0.00002.
gnomAD v4.1: 62 of 1,614,020 alleles (0.0038%); highest among the groups gnomAD compares: Non-Finnish European, 0.0047%; no homozygotes.

Submissions (5):

Labcorp Genetics (formerly Invitae), Labcorp
Classification: Benign for Congenital contractural arachnodactyly. Last evaluated: 2025-11-17. Review status: criteria provided, single submitter. Criteria: Invitae Variant Classification Sherloc (09022015). Collection method: clinical testing. Allele origin: germline.

Ambry Genetics
Classification: Uncertain significance for Familial thoracic aortic aneurysm and aortic dissection. Last evaluated: 2024-04-11. Review status: criteria provided, single submitter. Criteria: Ambry Variant Classification Scheme 2023. Collection method: clinical testing. Allele origin: germline.
Comment: The p.D2332N variant (also known as c.6994G>A), located in coding exon 55 of the FBN2 gene, results from a G to A substitution at nucleotide position 6994. The aspartic acid at codon 2332 is replaced by asparagine, an amino acid with highly similar properties. This amino acid position is well conserved in available vertebrate species. In addition, this alteration is predicted to be tolerated by in silico analysis. Based on the available evidence, the clinical significance of this variant remains unclear.

GeneDx
Classification: Uncertain significance. Last evaluated: 2023-06-27. Review status: criteria provided, single submitter. Criteria: GeneDx Variant Classification Process June 2021. Collection method: clinical testing. Allele origin: germline. Affected: yes.
Comment: Has not been previously published as pathogenic or benign to our knowledge; Not observed at a significant frequency in large population cohorts (gnomAD); In silico analysis supports that this missense variant does not alter protein structure/function; Although located in a calcium-binding EGF-like domain of the FBN2 gene, it does not substitute or introduce a cysteine residue (Callewaert et al., 2009; Frederic et al., 2009); This variant is associated with the following publications: (PMID: 19006240, 18767143)

ARUP Laboratories, Molecular Genetics and Genomics, ARUP Laboratories
Classification: Uncertain significance. Last evaluated: 2023-05-09. Review status: criteria provided, single submitter. Criteria: ARUP Molecular Germline Variant Investigation Process 2024. Collection method: clinical testing. Allele origin: germline.
Comment: The FBN2 c.6994G>A; p.Asp2332Asn variant (rs886059894), to our knowledge, is not reported in the medical literature but is reported in ClinVar (Variation ID: 350765). This variant is observed in the general population with an overall allele frequency of 0.002% (5/282780 alleles) in the Genome Aggregation Database. Computational analyses are uncertain whether this variant is neutral or deleterious (REVEL: 0.354). Due to limited information, the clinical significance of this variant is uncertain at this time.

Illumina Laboratory Services, Illumina
Classification: Uncertain significance for Congenital contractural arachnodactyly. Last evaluated: 2018-01-13. Review status: criteria provided, single submitter. Criteria: ICSL Variant Classification Criteria 13 December 2019. Collection method: clinical testing. Allele origin: germline.